The following is an entry in ClinVar:

NM_139076.3(ABRAXAS1):c.11A>T (p.Glu4Val)

Genes: ABRAXAS1 (abraxas 1, BRCA1 A complex subunit; minus strand), LOC129992784 (ATAC-STARR-seq lymphoblastoid silent region 15542; plus strand). Cytogenetic location: 4q21.23.
Variant type: single nucleotide variant.
Coding change: c.11A>T on transcript NM_139076.3 (MANE Select); coding-DNA position 11, A replaced by T.
Protein change: p.Glu4Val; replaces glutamic acid 4 with valine.
Molecular consequence: missense variant. On other transcripts: 5 prime UTR variant (1).
Genome position (GRCh38, 1-based): chr4:83,485,062, T>A on the plus strand (A>T on the coding strand, the complement: ABRAXAS1 is on the minus strand). VCF-style: chr4-83485062-T-A. GRCh37 (hg19) VCF-style: chr4-84406215-T-A.
Other names: c.-250A>T (NM_001345962.2); short protein forms E4V.
Identifiers: ClinVar variation 1019981 (VCV001019981.9), dbSNP rs780837222, ClinGen allele CA357264115.
Genomic context (GRCh38, chr4:83,485,062, plus strand): 5'-TTGAGGTGCTGGAAAGCGAGTGCGCCGAGCACAAAGCCCGAGAGCACCGCCGACGTACTC[T>A]CCCCCTCCATGCTACCGCCGCCTCAGGCTACACAAGAGGACGAGGGCGGGGCGCGCGGAG-3'
Protein context (NP_620775.2, residues 1-14): MEG[Glu4Val]STSAVLSGFV

ClinVar aggregate classification (germline): Uncertain significance (1 of 4 stars; one submission).

Allele frequency attached by ClinVar (database versions not stated): gnomAD 0.00001.
gnomAD v4.1: 2 of 1,587,018 alleles (0.00013%); highest among the groups gnomAD compares: East Asian, 0.0024%; no homozygotes.

Submission:

Labcorp Genetics (formerly Invitae), Labcorp
Classification: Uncertain significance. Last evaluated: 2024-01-02. Review status: criteria provided, single submitter. Criteria: Invitae Variant Classification Sherloc (09022015). Collection method: clinical testing. Allele origin: germline.
Comment: This sequence change replaces glutamic acid, which is acidic and polar, with valine, which is neutral and non-polar, at codon 4 of the FAM175A protein (p.Glu4Val). This variant is not present in population databases (gnomAD no frequency). This variant has not been reported in the literature in individuals affected with FAM175A-related conditions. ClinVar contains an entry for this variant (Variation ID: 1019981). An algorithm developed to predict the effect of missense changes on protein structure and function (PolyPhen-2) suggests that this variant is likely to be disruptive. Algorithms developed to predict the effect of sequence changes on RNA splicing suggest that this variant may create or strengthen a splice site. In summary, the available evidence is currently insufficient to determine the role of this variant in disease. Therefore, it has been classified as a Variant of Uncertain Significance.